The following is an entry in ClinVar:

NM_000501.4(ELN):c.1993+8T>C

Gene: ELN (elastin; plus strand). Cytogenetic location: 7q11.23.
Variant type: single nucleotide variant.
Coding change: c.1993+8T>C on transcript NM_000501.4 (MANE Select); 8 bases into the intron after coding-DNA position 1993, T replaced by C.
Molecular consequence: intron variant.
Genome position (GRCh38, 1-based): chr7:74,063,703, T>C. VCF-style: chr7-74063703-T-C. GRCh37 (hg19) VCF-style: chr7-73478033-T-C.
Other names: c.2008+8T>C (NM_001081754.3); c.1951+8T>C (NM_001081753.3); c.2179+8T>C (NM_001278939.2); c.2011+8T>C (NM_001278915.2); c.1993+8T>C (NM_001278912.2); c.1936+8T>C (NM_001081755.3); c.1849+8T>C (NM_001278916.2); c.1750+8T>C (NM_001278913.2); and 4 more.
Identifiers: ClinVar variation 3061188 (VCV003061188.2), dbSNP rs781816280, ClinGen allele CA575336629.
Genomic context (GRCh38, chr7:74,063,703, plus strand): 5'-CGGAGGACTCGGAGTCGGAGGGCTTGGAGTTCCAGGTGTTGGGGGCCTTGGAGGTGAGAG[T>C]TGTTCTGAAATCAGTGAGTGTGTGTGGTGTGTGTATGCGAGACAGAGATGGAGACAGAGA-3'

ClinVar aggregate classification (germline): Likely benign (0 of 4 stars; one submission).

Conditions:
ELN-related disorder.

Allele frequency attached by ClinVar (database versions not stated): gnomAD 0.00001.
gnomAD v4.1: 3 of 1,613,354 alleles (0.00019%); highest among the groups gnomAD compares: African/African-American, 0.0027%; no homozygotes.

Submission:

PreventionGenetics, part of Exact Sciences
Classification: Likely benign for ELN-related condition. Last evaluated: 2024-02-13. Review status: no assertion criteria provided. Collection method: clinical testing. Allele origin: germline.
Comment: This variant is classified as likely benign based on ACMG/AMP sequence variant interpretation guidelines (Richards et al. 2015 PMID: 25741868, with internal and published modifications).